The following is an entry in ClinVar:

NM_020937.4(FANCM):c.3844_3856del (p.Pro1282fs)

Gene: FANCM (FA complementation group M; plus strand). Cytogenetic location: 14q21.2.
Variant type: Deletion.
Coding change: c.3844_3856del on transcript NM_020937.4 (MANE Select); coding-DNA positions 3844 to 3856, 13 bases deleted (CCAAGAGATCATA).
Protein change: p.Pro1282fs; shifts the reading frame from proline 1282.
Molecular consequence: frameshift variant.
Genome position (GRCh38, 1-based): chr14:45,176,598-45,176,610, CCAAGAGATCATA deleted; deleting any 13 consecutive bases within chr14:45,176,595-45,176,610 gives the same sequence; the c. name uses the placement nearest the transcript's 3' end. VCF-style (leftmost placement, unchanged base first): chr14-45176594-AATACCAAGAGATC-A. GRCh37 (hg19) VCF-style: chr14-45645797-AATACCAAGAGATC-A.
Other names: c.3766_3778del, p.Pro1256fs (NM_001308133.2); short protein forms P1256fs, P1282fs.
Identifiers: ClinVar variation 2179821 (VCV002179821.4), dbSNP rs2503195017, ClinGen allele CA2580088239.

ClinVar aggregate classification (germline): Pathogenic (1 of 4 stars; one submission).

Conditions:
Fanconi anemia (FA). Also called: Fanconi's anemia. Identifiers: Orphanet 84, MedGen C0015625, MeSH D005199, MONDO:0019391.

Submission:

Labcorp Genetics (formerly Invitae), Labcorp
Classification: Pathogenic for Fanconi anemia. Last evaluated: 2024-08-13. Review status: criteria provided, single submitter. Criteria: Invitae Variant Classification Sherloc (09022015). Collection method: clinical testing. Allele origin: germline.
Comment: This sequence change creates a premature translational stop signal (p.Pro1282Valfs*27) in the FANCM gene. It is expected to result in an absent or disrupted protein product. Loss-of-function variants in FANCM are known to be pathogenic (PMID: 29895858, 30075111). This variant is not present in population databases (gnomAD no frequency). This variant has not been reported in the literature in individuals affected with FANCM-related conditions. ClinVar contains an entry for this variant (Variation ID: 2179821). For these reasons, this variant has been classified as Pathogenic.

Literature cited by the submitters: PubMed 29895858; PubMed 30075111.